The following is an entry in ClinVar:

ClinVar aggregate classification (germline): Benign (1 of 4 stars; one submission).

Submission:

GeneDx
Classification: Benign. Last evaluated: 2018-06-16. Review status: criteria provided, single submitter. Criteria: GeneDx Variant Classification (06012015). Collection method: clinical testing. Allele origin: germline. Affected: yes.
Comment: This variant is considered likely benign or benign based on one or more of the following criteria: it is a conservative change, it occurs at a poorly conserved position in the protein, it is predicted to be benign by multiple in silico algorithms, and/or has population frequency not consistent with disease.

NM_004006.3(DMD):c.11015-44del

Gene: DMD (dystrophin; minus strand). Cytogenetic location: Xp21.2.
Variant type: Deletion.
Coding change: c.11015-44del on transcript NM_004006.3 (MANE Select); 44 bases into the intron before coding-DNA position 11015, one base deleted (T; older notation c.11015-44delT).
Molecular consequence: intron variant.
Genome position (GRCh38, 1-based): chrX:31,126,717, A deleted on the plus strand (T on the coding strand, the reverse complement: DMD is on the minus strand); the first of 8 consecutive A bases (chrX:31,126,717-31,126,724); deleting any one gives the same sequence. VCF-style (leftmost placement, unchanged base first): chrX-31126716-GA-G. GRCh37 (hg19) VCF-style: chrX-31144833-GA-G.
Other names: c.10991-44del (NM_000109.4); c.6992-44del (NM_004011.4); c.6983-44del (NM_004012.4); c.3305-4787del (NM_004023.3); c.3305-44del (NM_004020.4); c.3596-4787del (NM_004022.3); c.3635-4787del (NM_004021.3); c.3635-44del (NM_004013.3); and 7 more.
Identifiers: ClinVar variation 675459 (VCV000675459.1), dbSNP rs72466533, ClinGen allele CA10377482.